The following is an entry in ClinVar:

ClinVar aggregate classification (germline): Uncertain significance (1 of 4 stars; one submission).

Allele frequency attached by ClinVar (database versions not stated): gnomAD exomes 0.00001; ExAC 0.00002; TOPMed 0.00002; gnomAD 0.00003; ESP Exome Variant Server 0.00008.

Submission:

Labcorp Genetics (formerly Invitae), Labcorp
Classification: Uncertain significance. Last evaluated: 2023-04-09. Review status: criteria provided, single submitter. Criteria: Invitae Variant Classification Sherloc (09022015). Collection method: clinical testing. Allele origin: germline.
Comment: In summary, the available evidence is currently insufficient to determine the role of this variant in disease. Therefore, it has been classified as a Variant of Uncertain Significance. This sequence change replaces alanine, which is neutral and non-polar, with valine, which is neutral and non-polar, at codon 820 of the DHX37 protein (p.Ala820Val). The frequency data for this variant in the population databases is considered unreliable, as metrics indicate poor data quality at this position in the gnomAD database. This variant has not been reported in the literature in individuals affected with DHX37-related conditions. An algorithm developed to predict the effect of missense changes on protein structure and function (PolyPhen-2) suggests that this variant is likely to be tolerated.

NM_032656.4(DHX37):c.2459C>T (p.Ala820Val)

Gene: DHX37 (DEAH-box helicase 37; minus strand). Cytogenetic location: 12q24.31.
Variant type: single nucleotide variant.
Coding change: c.2459C>T on transcript NM_032656.4 (MANE Select); coding-DNA position 2459, C replaced by T.
Protein change: p.Ala820Val; replaces alanine 820 with valine.
Molecular consequence: missense variant.
Genome position (GRCh38, 1-based): chr12:124,954,206, G>A on the plus strand (C>T on the coding strand, the complement: DHX37 is on the minus strand). VCF-style: chr12-124954206-G-A. GRCh37 (hg19) VCF-style: chr12-125438752-G-A.
Other names: short protein forms A820V.
Identifiers: ClinVar variation 2780642 (VCV002780642.3), dbSNP rs376497208, ClinGen allele CA6871624.